The following is an entry in ClinVar:

NM_004385.5(VCAN):c.1135A>G (p.Thr379Ala)

Gene: VCAN (versican; plus strand). Cytogenetic location: 5q14.3.
Variant type: single nucleotide variant.
Coding change: c.1135A>G on transcript NM_004385.5 (MANE Select); coding-DNA position 1135, A replaced by G.
Protein change: p.Thr379Ala; replaces threonine 379 with alanine.
Molecular consequence: missense variant. On other transcripts: intron variant (2).
Genome position (GRCh38, 1-based): chr5:83,519,441, A>G. VCF-style: chr5-83519441-A-G. GRCh37 (hg19) VCF-style: chr5-82815260-A-G.
Other names: c.1135A>G, p.Thr379Ala (NM_001164098.2); c.1042+7045A>G (NM_001164097.2, NM_001126336.3); short protein forms T379A.
Identifiers: ClinVar variation 1038761 (VCV001038761.8), dbSNP rs368393783, ClinGen allele CA3332617.

ClinVar aggregate classification (germline): Uncertain significance (1 of 4 stars; one submission).

Allele frequency attached by ClinVar (database versions not stated): gnomAD 0.00001; TOPMed 0.00002; gnomAD exomes 0.00004; ExAC 0.00006; ESP Exome Variant Server 0.00008.
gnomAD v4.1: 65 of 1,614,078 alleles (0.004%); highest among the groups gnomAD compares: Non-Finnish European, 0.0053%; no homozygotes.

Submission:

Labcorp Genetics (formerly Invitae), Labcorp
Classification: Uncertain significance. Last evaluated: 2023-03-20. Review status: criteria provided, single submitter. Criteria: Invitae Variant Classification Sherloc (09022015). Collection method: clinical testing. Allele origin: germline.
Comment: This sequence change replaces threonine, which is neutral and polar, with alanine, which is neutral and non-polar, at codon 379 of the VCAN protein (p.Thr379Ala). This variant is present in population databases (rs368393783, gnomAD 0.006%). This variant has not been reported in the literature in individuals affected with VCAN-related conditions. ClinVar contains an entry for this variant (Variation ID: 1038761). An algorithm developed to predict the effect of missense changes on protein structure and function (PolyPhen-2) suggests that this variant is likely to be tolerated. In summary, the available evidence is currently insufficient to determine the role of this variant in disease. Therefore, it has been classified as a Variant of Uncertain Significance.